The following is an entry in ClinVar:

ClinVar aggregate classification (germline): Uncertain significance. Review status: criteria provided, multiple submitters, no conflicts (2 of 4 stars). 2 submissions from 2 submitters: Uncertain significance (2). Last evaluated 2023-09-29.

Conditions:
Inborn genetic diseases. Identifiers: MedGen C0950123, MeSH D030342.

Allele frequency attached by ClinVar (database versions not stated): ExAC 0.00049; 1000 Genomes Project 0.00080; 1000 Genomes Project 30x 0.00094; gnomAD 0.00158 and 0.00175; TOPMed 0.00194; ESP Exome Variant Server 0.00215.
gnomAD v4.1: 516 of 1,614,032 alleles (0.032%); highest among the groups gnomAD compares: African/African-American, 0.54%; 3 homozygotes.

Submissions (2):

Ambry Genetics
Classification: Uncertain significance for Inborn genetic diseases. Last evaluated: 2023-09-29. Review status: criteria provided, single submitter. Criteria: Ambry Variant Classification Scheme 2023. Collection method: clinical testing. Allele origin: germline.

ARUP Laboratories, Molecular Genetics and Genomics, ARUP Laboratories
Classification: Uncertain significance. Last evaluated: 2017-12-22. Review status: criteria provided, single submitter. Criteria: ARUP Molecular Germline Variant Investigation Process. Collection method: clinical testing. Allele origin: germline.
Comment: Although the CORIN p.Val361Met variant (rs139499566) has not been reported in the medical literature or previously identified in our laboratory, it is listed in the Genome Aggregation Database (gnomAD) browser with an allele frequency of 0.55% in the African population (identified in 131 out of 23,998 chromosomes; 1 homozygote). The valine at codon 361 is highly conserved considering 11 species up to frog (Alamut software v2.10.0), and computational analyses predict that this variant does affect the structure/function of the CORIN protein (SIFT: damaging, PolyPhen2: probably damaging, MutationTaster: disease causing). Based on the available information, the clinical significance of the p.Val361Met variant cannot be determined with certainty.

NM_006587.4(CORIN):c.1081G>A (p.Val361Met)

Gene: CORIN (corin, serine peptidase; minus strand). Cytogenetic location: 4p12.
Variant type: single nucleotide variant.
Coding change: c.1081G>A on transcript NM_006587.4 (MANE Select); coding-DNA position 1081, G replaced by A.
Protein change: p.Val361Met; replaces valine 361 with methionine.
Molecular consequence: missense variant. On other transcripts: intron variant (2).
Genome position (GRCh38, 1-based): chr4:47,680,192, C>T on the plus strand (G>A on the coding strand, the complement: CORIN is on the minus strand). VCF-style: chr4-47680192-C-T. GRCh37 (hg19) VCF-style: chr4-47682209-C-T.
Other names: c.821-2138G>A (NM_001278585.2); c.1022-2138G>A (NM_001278586.2); c.1081G>A (NM_006587.2); short protein forms V361M.
Identifiers: ClinVar variation 618584 (VCV000618584.10), dbSNP rs139499566, ClinGen allele CA2909800.